The following is an entry in ClinVar:

ClinVar aggregate classification (germline): Pathogenic (1 of 4 stars; one submission).

Submission:

GeneDx
Classification: Pathogenic. Last evaluated: 2018-11-13. Review status: criteria provided, single submitter. Criteria: GeneDx Variant Classification (06012015). Collection method: clinical testing. Allele origin: germline. Affected: yes.
Comment: The c.568_569delAC gene has not been reported previously as a pathogenic variant nor as a benign variant, to our knowledge. The c.568_569delAC variant causes a frameshift starting with codon Threonine 190, changes this amino acid to a Leucine residue, and creates a premature Stop codon at position 14 of the new reading frame, denoted p.Thr190LeufsX14. This variant is predicted to cause loss of normal protein function either through protein truncation or nonsense-mediated mRNA decay. The c.568_569delAC variant is not observed in large population cohorts (Lek et al., 2016). We interpret c.568_569delAC as a pathogenic variant.

NM_032856.5(WDR73):c.568_569del (p.Thr190fs)

Gene: WDR73 (WD repeat domain 73; minus strand). Cytogenetic location: 15q25.2.
Variant type: Microsatellite.
Coding change: c.568_569del on transcript NM_032856.5 (MANE Select); coding-DNA positions 568 to 569, 2 bases deleted (AC; older notation c.568_569delAC).
Protein change: p.Thr190fs; shifts the reading frame from threonine 190.
Molecular consequence: frameshift variant. On other transcripts: non-coding transcript variant (4).
Genome position (GRCh38, 1-based): chr15:84,645,785-84,645,786, GT deleted on the plus strand (AC on the coding strand, the reverse complement: WDR73 is on the minus strand); deleting any 2 consecutive bases within chr15:84,645,785-84,645,788 gives the same sequence; the c. name uses the placement nearest the transcript's 3' end. VCF-style (leftmost placement, unchanged base first): chr15-84645784-GGT-G. GRCh37 (hg19) VCF-style: chr15-85189015-GGT-G.
Other names: short protein forms T190fs.
Identifiers: ClinVar variation 817321 (VCV000817321.1), dbSNP rs1596050605, ClinGen allele CA915946126.